The following is an entry in ClinVar:

NM_000059.4(BRCA2):c.5833del (p.Ile1945fs)

Gene: BRCA2 (BRCA2 DNA repair associated; plus strand). Cytogenetic location: 13q13.1.
Variant type: Deletion.
Coding change: c.5833del on transcript NM_000059.4 (MANE Select); coding-DNA position 5833, one base deleted (A; older notation c.5833delA).
Protein change: p.Ile1945fs; shifts the reading frame from isoleucine 1945.
Molecular consequence: frameshift variant.
Genome position (GRCh38, 1-based): chr13:32,340,188, A deleted; the last of 4 consecutive A bases (chr13:32,340,185-32,340,188); deleting any one gives the same sequence. VCF-style (leftmost placement, unchanged base first): chr13-32340184-TA-T. GRCh37 (hg19) VCF-style: chr13-32914321-TA-T.
Other names: short protein forms I1945fs.
Identifiers: ClinVar variation 1353192 (VCV001353192.6), dbSNP rs2137521438, ClinGen allele CA2573149389.
Genomic context (GRCh38, chr13:32,340,184, plus strand): 5'-CATTCAGAGTGAAGAAATTTTACAACATAACCAAAATATGTCTGGATTGGAGAAAGTTTC[TA>T]AAATATCACCTTGTGATGTTAGTTTGGAAACTTCAGATATATGTAAATGTAGTATAGGGA-3'

ClinVar aggregate classification (germline): Pathogenic (1 of 4 stars; one submission).

Conditions:
Hereditary breast ovarian cancer syndrome. Also called: BRCA1- and BRCA2-Associated Hereditary Breast and Ovarian Cancer; Hereditary breast and ovarian cancer; Hereditary breast and ovarian cancer syndrome; Hereditary breast and ovarian cancer syndrome (HBOC); Breast and ovarian cancer; Hereditary breast and/or ovarian cancer syndrome. Identifiers: Orphanet 145, MedGen C0677776, MeSH D061325, MONDO:0003582. Disease mechanism: loss of function.

Submission:

Labcorp Genetics (formerly Invitae), Labcorp
Classification: Pathogenic for Hereditary breast ovarian cancer syndrome. Last evaluated: 2021-01-27. Review status: criteria provided, single submitter. Criteria: Invitae Variant Classification Sherloc (09022015). Collection method: clinical testing. Allele origin: germline.
Comment: For these reasons, this variant has been classified as Pathogenic. This variant has not been reported in the literature in individuals with BRCA2-related conditions. This variant is not present in population databases (ExAC no frequency). This sequence change creates a premature translational stop signal (p.Ile1945Tyrfs*18) in the BRCA2 gene. It is expected to result in an absent or disrupted protein product. Loss-of-function variants in BRCA2 are known to be pathogenic (PMID: 20104584).

Literature cited by the submitters: PubMed 20104584.